The following is an entry in ClinVar:

ClinVar aggregate classification (germline): Pathogenic (1 of 4 stars; one submission).

Conditions:
Neurodevelopmental disorder with motor and language delay, ocular defects, and brain abnormalities (NEDMLOB). Identifiers: MedGen C5830596, MONDO:0957386, OMIM 620428.

gnomAD v4.1: 21 of 1,613,708 alleles (0.0013%); highest among the groups gnomAD compares: Middle Eastern, 0.016%; no homozygotes.

Submission:

Kasturba Medical College, Manipal, Kasturba Medical College, Manipal, Manipal Academy of Higher Education, Manipal, India
Classification: Pathogenic for Neurodevelopmental disorder with motor and language delay, ocular defects, and brain abnormalities. Last evaluated: 2026-04-13. Review status: criteria provided, single submitter. Criteria: ACMG Guidelines, 2015. Collection method: research. Allele origin: paternal. Inheritance: Autosomal recessive inheritance. Affected: yes. Observed: 1 variant allele, 1 heterozygote.
Comment: This variant is present in 21 individuals in heterozygous state and absent in homozygous state in gnomAD (v4.1.0) population database. The same variant is absent in heterozygous and/or homozygous state in our in-house database of 4194 individuals.

NM_017871.6(INTS11):c.127C>T (p.Arg43Ter)

Gene: INTS11 (integrator complex subunit 11; minus strand). Cytogenetic location: 1p36.33.
Variant type: single nucleotide variant.
Coding change: c.127C>T on transcript NM_017871.6 (MANE Select); coding-DNA position 127, C replaced by T.
Protein change: p.Arg43Ter; replaces arginine 43 with a stop codon.
Molecular consequence: nonsense. On other transcripts: intron variant (2).
Genome position (GRCh38, 1-based): chr1:1,320,529, G>A on the plus strand (C>T on the coding strand, the complement: INTS11 is on the minus strand). VCF-style: chr1-1320529-G-A. GRCh37 (hg19) VCF-style: chr1-1255909-G-A.
Other names: c.145C>T, p.Arg49Ter (NM_001256456.2); c.40C>T, p.Arg14Ter (NM_001256460.2); c.126+467C>T (NM_001256463.2); c.139+2648C>T (NM_001256462.2); short protein forms R14*, R43*, R49*.
Identifiers: ClinVar variation 4850530 (VCV004850530.1).